The following is an entry in ClinVar:

ClinVar aggregate classification (germline): Pathogenic (1 of 4 stars; one submission).

Conditions:
Autosomal recessive limb-girdle muscular dystrophy type 2L (LGMDR12). Also called: MUSCULAR DYSTROPHY, LIMB-GIRDLE, AUTOSOMAL RECESSIVE 12; Limb-girdle muscular dystrophy, type 2L; Limb-Girdle Muscular Dystrophy R12 Anoctamin-5-Related (LGMD-R12). Identifiers: Orphanet 206549, MedGen C1969785, MONDO:0012652, OMIM 611307.
Miyoshi muscular dystrophy 3 (MMD3). Also called: Miyoshi myopathy 3; Miyoshi Muscular Dystrophy 3 (MMD3). Identifiers: Orphanet 399096, MedGen C2750076, MONDO:0013222, OMIM 613319.

Submission:

Juno Genomics, Hangzhou Juno Genomics, Inc
Classification: Pathogenic for Miyoshi muscular dystrophy 3; Autosomal recessive limb-girdle muscular dystrophy type 2L. Review status: criteria provided, single submitter. Criteria: ACMG Guidelines, 2015. Collection method: clinical testing. Allele origin: germline. Affected: yes.
Comment: Absent from controls (or at extremely low frequency if recessive) in Genome Aggregation Database.;Null variant in a gene where loss of function (LOF) is a known mechanism of disease.;Patient's phenotype or family history is highly specific for a disease with a single genetic etiology.

NM_213599.3(ANO5):c.41-2A>T

Gene: ANO5 (anoctamin 5; plus strand). Cytogenetic location: 11p14.3.
Variant type: single nucleotide variant.
Coding change: c.41-2A>T on transcript NM_213599.3 (MANE Select); the canonical splice acceptor site of the intron before coding-DNA position 41, A replaced by T.
Molecular consequence: splice acceptor variant.
Genome position (GRCh38, 1-based): chr11:22,203,802, A>T. VCF-style: chr11-22203802-A-T. GRCh37 (hg19) VCF-style: chr11-22225348-A-T.
Other names: c.-38-2A>T (NM_001441297.1, NM_001441295.1, NM_001441294.1); c.41-2A>T (NM_001410963.1, NM_001441300.1, NM_001441298.1 and 6 more transcripts).
Identifiers: ClinVar variation 5019131 (VCV005019131.1).